The following is an entry in ClinVar:

NM_001013838.3(CARMIL2):c.1738G>A (p.Asp580Asn)

Gene: CARMIL2 (capping protein regulator and myosin 1 linker 2; plus strand). Cytogenetic location: 16q22.1.
Variant type: single nucleotide variant.
Coding change: c.1738G>A on transcript NM_001013838.3 (MANE Select); coding-DNA position 1738, G replaced by A.
Protein change: p.Asp580Asn; replaces aspartic acid 580 with asparagine.
Molecular consequence: missense variant.
Genome position (GRCh38, 1-based): chr16:67,649,303, G>A. VCF-style: chr16-67649303-G-A. GRCh37 (hg19) VCF-style: chr16-67683206-G-A.
Other names: c.1630G>A, p.Asp544Asn (NM_001317026.3); short protein forms D544N, D580N.
Identifiers: ClinVar variation 2200627 (VCV002200627.3), dbSNP rs2543552546, ClinGen allele CA396337456.

ClinVar aggregate classification (germline): Uncertain significance (1 of 4 stars; one submission).

Submission:

Labcorp Genetics (formerly Invitae), Labcorp
Classification: Uncertain significance. Last evaluated: 2021-12-13. Review status: criteria provided, single submitter. Criteria: Invitae Variant Classification Sherloc (09022015). Collection method: clinical testing. Allele origin: germline.
Comment: In summary, the available evidence is currently insufficient to determine the role of this variant in disease. Therefore, it has been classified as a Variant of Uncertain Significance. Algorithms developed to predict the effect of missense changes on protein structure and function are either unavailable or do not agree on the potential impact of this missense change (SIFT: "Deleterious"; PolyPhen-2: "Benign"; Align-GVGD: "Class C0"). This variant has not been reported in the literature in individuals affected with CARMIL2-related conditions. This variant is not present in population databases (gnomAD no frequency). This sequence change replaces aspartic acid, which is acidic and polar, with asparagine, which is neutral and polar, at codon 580 of the CARMIL2 protein (p.Asp580Asn).